The following is an entry in ClinVar:

ClinVar aggregate classification (germline): Uncertain significance (1 of 4 stars; one submission).

Allele frequency attached by ClinVar (database versions not stated): gnomAD exomes below 0.00001.
gnomAD v4.1: 3 of 1,613,974 alleles (0.00019%); highest among the groups gnomAD compares: Non-Finnish European, 0.00025%; no homozygotes.

Submission:

Labcorp Genetics (formerly Invitae), Labcorp
Classification: Uncertain significance. Last evaluated: 2022-06-20. Review status: criteria provided, single submitter. Criteria: Invitae Variant Classification Sherloc (09022015). Collection method: clinical testing. Allele origin: germline.
Comment: This sequence change replaces methionine, which is neutral and non-polar, with valine, which is neutral and non-polar, at codon 409 of the TTC37 protein (p.Met409Val). This variant is present in population databases (no rsID available, gnomAD 0.0009%). This variant has not been reported in the literature in individuals affected with TTC37-related conditions. Algorithms developed to predict the effect of missense changes on protein structure and function output the following: SIFT: "Tolerated"; PolyPhen-2: "Benign"; Align-GVGD: "Class C0". The valine amino acid residue is found in multiple mammalian species, which suggests that this missense change does not adversely affect protein function. Algorithms developed to predict the effect of sequence changes on RNA splicing suggest that this variant may disrupt the consensus splice site. In summary, the available evidence is currently insufficient to determine the role of this variant in disease. Therefore, it has been classified as a Variant of Uncertain Significance.

NM_014639.4(SKIC3):c.1225A>G (p.Met409Val)

Gene: SKIC3 (SKI3 subunit of superkiller complex; minus strand). Cytogenetic location: 5q15.
Variant type: single nucleotide variant.
Coding change: c.1225A>G on transcript NM_014639.4 (MANE Select); coding-DNA position 1225, A replaced by G.
Protein change: p.Met409Val; replaces methionine 409 with valine.
Molecular consequence: missense variant.
Genome position (GRCh38, 1-based): chr5:95,525,498, T>C on the plus strand (A>G on the coding strand, the complement: SKIC3 is on the minus strand). VCF-style: chr5-95525498-T-C. GRCh37 (hg19) VCF-style: chr5-94861202-T-C.
Other names: short protein forms M409V.
Identifiers: ClinVar variation 1382873 (VCV001382873.5), dbSNP rs1421202741, ClinGen allele CA360464776.